The following is an entry in ClinVar:

ClinVar aggregate classification (germline): Uncertain significance (1 of 4 stars; one submission).

Submission:

Dasa
Classification: Uncertain significance. Last evaluated: 2025-10-27. Review status: criteria provided, single submitter. Criteria: DASA Assertion Criteria. Collection method: clinical testing. Allele origin: germline.
Comment: NM_001101362.3(KBTBD13):c.784G>T (p.Ala262Ser) is a missense variant that results in the substitution of alanine with serine. This variant is rare in population databases. Computational prediction algorithms are consistent with a deleterious effect. The currently available literature and clinical evidence are not sufficient to establish a definitive association between this variant and the reported condition. Therefore, this variant is classified as a variant of uncertain significance.

NM_001101362.3(KBTBD13):c.784G>T (p.Ala262Ser)

Gene: KBTBD13 (kelch repeat and BTB domain containing 13; plus strand). Cytogenetic location: 15q22.31.
Variant type: single nucleotide variant.
Coding change: c.784G>T on transcript NM_001101362.3 (MANE Select); coding-DNA position 784, G replaced by T.
Protein change: p.Ala262Ser; replaces alanine 262 with serine.
Molecular consequence: missense variant.
Genome position (GRCh38, 1-based): chr15:65,077,599, G>T. VCF-style: chr15-65077599-G-T. GRCh37 (hg19) VCF-style: chr15-65369937-G-T.
Other names: short protein forms A262S.
Identifiers: ClinVar variation 4885888 (VCV004885888.2).